The following is an entry in ClinVar:

ClinVar aggregate classification (germline): Pathogenic. Review status: criteria provided, multiple submitters, no conflicts (2 of 4 stars). 4 submissions from 4 submitters: Pathogenic (3). 1 of the submissions does not count toward it. Last evaluated 2026-02-01.

Conditions:
Retinal dystrophy. Also called: Inherited retinal dystrophy. Identifiers: Orphanet 71862, MedGen C0854723, MeSH D058499, MONDO:0019118, HP:0000556.
Retinitis pigmentosa 54 (RP54). Identifiers: Orphanet 791, MedGen C3150691, MONDO:0013263, OMIM 613428.

Submissions (4):

CeGaT Center for Human Genetics Tuebingen
Classification: Pathogenic. Last evaluated: 2026-02-01. Review status: criteria provided, single submitter. Criteria: CeGaT Center For Human Genetics Tuebingen Variant Classification Criteria Version 2. Collection method: clinical testing. Allele origin: germline. Affected: yes. Observed: 5 variant alleles.
Comment: PCARE: PVS1, PP1:Strong, PM2, PM3

Institute of Human Genetics, Univ. Regensburg, Univ. Regensburg
Classification: Pathogenic for Retinal dystrophy. Last evaluated: 2023-01-01. Review status: criteria provided, single submitter. Criteria: ACMG Guidelines, 2015. Collection method: clinical testing. Allele origin: germline. Affected: yes.

Institute of Medical Genetics and Applied Genomics, University Hospital Tübingen
Classification: Pathogenic. Last evaluated: 2021-06-17. Review status: criteria provided, single submitter. Criteria: ACMG Guidelines, 2015. Collection method: clinical testing. Allele origin: germline. Inheritance: Autosomal recessive inheritance. Affected: yes.

Biochemical Molecular Genetic Laboratory, King Abdulaziz Medical City
Classification: Pathogenic for Retinitis pigmentosa 54. Last evaluated: 2020-09-10. Review status: no assertion criteria provided. Collection method: clinical testing. Allele origin: germline. Affected: yes. Not counted in ClinVar's aggregate classification.

Literature cited by the submitters: PubMed 23591405 (cited by Institute of Human Genetics, Univ. Regensburg, Univ. Regensburg); PubMed 32531858 (cited by Institute of Human Genetics, Univ. Regensburg, Univ. Regensburg); PubMed 34315337 (cited by Institute of Human Genetics, Univ. Regensburg, Univ. Regensburg); PubMed 34426522 (cited by Institute of Human Genetics, Univ. Regensburg, Univ. Regensburg).

NM_001029883.3(PCARE):c.1541del (p.Pro514fs)

Gene: PCARE (photoreceptor cilium actin regulator; minus strand). Cytogenetic location: 2p23.2.
Variant type: Deletion.
Coding change: c.1541del on transcript NM_001029883.3 (MANE Select); coding-DNA position 1541, one base deleted (C; older notation c.1541delC).
Protein change: p.Pro514fs; shifts the reading frame from proline 514.
Molecular consequence: frameshift variant.
Genome position (GRCh38, 1-based): chr2:29,072,721, G deleted on the plus strand (C on the coding strand, the reverse complement: PCARE is on the minus strand); the first of 2 consecutive G bases (chr2:29,072,721-29,072,722); deleting either gives the same sequence. VCF-style (leftmost placement, unchanged base first): chr2-29072720-TG-T. GRCh37 (hg19) VCF-style: chr2-29295586-TG-T.
Other names: short protein forms P514fs.
Identifiers: ClinVar variation 871084 (VCV000871084.44), dbSNP rs1667513233, ClinGen allele CA1139656797.